The following is an entry in ClinVar:

NM_001330260.2(SCN8A):c.929-2A>G

Gene: SCN8A (sodium voltage-gated channel alpha subunit 8; plus strand). Cytogenetic location: 12q13.13.
Variant type: single nucleotide variant.
Coding change: c.929-2A>G on transcript NM_001330260.2 (MANE Select); the canonical splice acceptor site of the intron before coding-DNA position 929, A replaced by G.
Molecular consequence: splice acceptor variant.
Genome position (GRCh38, 1-based): chr12:51,701,142, A>G. VCF-style: chr12-51701142-A-G. GRCh37 (hg19) VCF-style: chr12-52094926-A-G.
Other names: c.929-2A>G (NM_014191.4, NM_001177984.3, NM_001369788.1).
Identifiers: ClinVar variation 2702457 (VCV002702457.3), dbSNP rs2540176622, ClinGen allele CA385226863.

ClinVar aggregate classification (germline): Pathogenic (1 of 4 stars; one submission).

Conditions:
Early-infantile DEE. Also called: Ohtahara syndrome; Early infantile epileptic encephalopathy with suppression bursts; Early infantile epileptic encephalopathy. Identifiers: Orphanet 1934, MedGen C0393706, MONDO:0800491.

Allele frequency attached by ClinVar (database versions not stated): gnomAD exomes below 0.00001.
gnomAD v4.1: 1 of 1,612,370 alleles (0.000062%); highest among the groups gnomAD compares: Non-Finnish European, 0.000085%; no homozygotes.

Submission:

Labcorp Genetics (formerly Invitae), Labcorp
Classification: Pathogenic for Early-infantile DEE. Last evaluated: 2024-08-30. Review status: criteria provided, single submitter. Criteria: Invitae Variant Classification Sherloc (09022015). Collection method: clinical testing. Allele origin: germline.
Comment: This sequence change affects an acceptor splice site in intron 7 of the SCN8A gene. It is expected to disrupt RNA splicing. Variants that disrupt the donor or acceptor splice site typically lead to a loss of protein function (PMID: 16199547), and loss-of-function variants in SCN8A are known to be pathogenic (PMID: 19254928, 32651551). This variant is not present in population databases (gnomAD no frequency). Disruption of this splice site has been observed in individual(s) with SCN8A-related condition (internal data). In at least one individual the variant was observed to be de novo. Algorithms developed to predict the effect of sequence changes on RNA splicing suggest that this variant may disrupt the consensus splice site. For these reasons, this variant has been classified as Pathogenic.

Literature cited by the submitters: PubMed 16199547; PubMed 19254928; PubMed 32651551.